The following is an entry in ClinVar:

ClinVar aggregate classification (germline): Uncertain significance (1 of 4 stars; one submission).

Allele frequency attached by ClinVar (database versions not stated): TOPMed below 0.00001; gnomAD 0.00001.
gnomAD v4.1: 1 of 1,605,158 alleles (0.000062%); highest among the groups gnomAD compares: Non-Finnish European, 0.000085%; no homozygotes.

Submission:

Labcorp Genetics (formerly Invitae), Labcorp
Classification: Uncertain significance. Last evaluated: 2022-10-16. Review status: criteria provided, single submitter. Criteria: Invitae Variant Classification Sherloc (09022015). Collection method: clinical testing. Allele origin: germline.
Comment: This sequence change replaces glutamic acid, which is acidic and polar, with alanine, which is neutral and non-polar, at codon 305 of the JAK2 protein (p.Glu305Ala). This variant is present in population databases (no rsID available, gnomAD 0.007%). This variant has not been reported in the literature in individuals affected with JAK2-related conditions. Advanced modeling of protein sequence and biophysical properties (such as structural, functional, and spatial information, amino acid conservation, physicochemical variation, residue mobility, and thermodynamic stability) performed at Invitae indicates that this missense variant is not expected to disrupt JAK2 protein function. In summary, the available evidence is currently insufficient to determine the role of this variant in disease. Therefore, it has been classified as a Variant of Uncertain Significance.

NM_004972.4(JAK2):c.914A>C (p.Glu305Ala)

Genes: INSL6 (insulin like 6; minus strand), JAK2 (Janus kinase 2; plus strand). Cytogenetic location: 9p24.1.
Variant type: single nucleotide variant.
Coding change: c.914A>C on transcript NM_004972.4 (MANE Select); coding-DNA position 914, A replaced by C.
Protein change: p.Glu305Ala; replaces glutamic acid 305 with alanine.
Molecular consequence: missense variant. On other transcripts: non-coding transcript variant (2), intron variant (2).
Genome position (GRCh38, 1-based): chr9:5,054,862, A>C. VCF-style: chr9-5054862-A-C. GRCh37 (hg19) VCF-style: chr9-5054862-A-C.
Other names: c.914A>C, p.Glu305Ala (NM_001322194.2, NM_001322195.2, NM_001322196.2); c.467A>C, p.Glu156Ala (NM_001322204.2); c.-280+73A>C (NM_001322198.2, NM_001322199.2); short protein forms E156A, E305A.
Identifiers: ClinVar variation 2125323 (VCV002125323.4), dbSNP rs1447845301, ClinGen allele CA372820676.